The following is an entry in ClinVar:

ClinVar aggregate classification (germline): Uncertain significance. Review status: criteria provided, multiple submitters, no conflicts (2 of 4 stars). 2 submissions from 2 submitters: Uncertain significance (2). Last evaluated 2024-08-28.

Conditions:
Inborn genetic diseases. Identifiers: MedGen C0950123, MeSH D030342.

Allele frequency attached by ClinVar (database versions not stated): gnomAD 0.00001.
gnomAD v4.1: 1 of 1,613,600 alleles (0.000062%); highest among the groups gnomAD compares: Admixed American, 0.0017%; no homozygotes.

Submissions (2):

Ambry Genetics
Classification: Uncertain significance for Inborn genetic diseases. Last evaluated: 2024-08-28. Review status: criteria provided, single submitter. Criteria: Ambry Variant Classification Scheme 2023. Collection method: clinical testing. Allele origin: germline.

Labcorp Genetics (formerly Invitae), Labcorp
Classification: Uncertain significance. Last evaluated: 2024-01-25. Review status: criteria provided, single submitter. Criteria: Invitae Variant Classification Sherloc (09022015). Collection method: clinical testing. Allele origin: germline.
Comment: This sequence change replaces glycine, which is neutral and non-polar, with valine, which is neutral and non-polar, at codon 39 of the ACVR1 protein (p.Gly39Val). This variant is not present in population databases (gnomAD no frequency). This variant has not been reported in the literature in individuals affected with ACVR1-related conditions. An algorithm developed to predict the effect of missense changes on protein structure and function (PolyPhen-2) suggests that this variant is likely to be disruptive. In summary, the available evidence is currently insufficient to determine the role of this variant in disease. Therefore, it has been classified as a Variant of Uncertain Significance.

NM_001111067.4(ACVR1):c.116G>T (p.Gly39Val)

Gene: ACVR1 (activin A receptor type 1; minus strand). Cytogenetic location: 2q24.1.
Variant type: single nucleotide variant.
Coding change: c.116G>T on transcript NM_001111067.4 (MANE Select); coding-DNA position 116, G replaced by T.
Protein change: p.Gly39Val; replaces glycine 39 with valine.
Molecular consequence: missense variant.
Genome position (GRCh38, 1-based): chr2:157,780,552, C>A on the plus strand (G>T on the coding strand, the complement: ACVR1 is on the minus strand). VCF-style: chr2-157780552-C-A. GRCh37 (hg19) VCF-style: chr2-158637064-C-A.
Other names: c.116G>T (NM_001105.4); c.116G>T, p.Gly39Val (NM_001105.5, NM_001347663.1, NM_001347664.1 and 3 more transcripts); short protein forms G39V.
Identifiers: ClinVar variation 2711407 (VCV002711407.4), dbSNP rs1686468929, ClinGen allele CA349193970.
Genomic context (GRCh38, chr2:157,780,552, plus strand): 5'-ATGCTCAGTGAGGAAAAGCACTGCTGGCCTTCACAGTGGTCCTCATTACCGCAGGAGAGA[C>A]CTTCACACACACACATGTAGAGTTTGGGGTTGACCTTGGGCTTCTCATCTGCAAAGGAGA-3'
Protein context (NP_001104537.1, residues 29-49): NPKLYMCVCE[Gly39Val]LSCGNEDHCE